The following is an entry in ClinVar:

ClinVar aggregate classification (germline): Uncertain significance (1 of 4 stars; one submission).

Submission:

GeneDx
Classification: Uncertain significance. Last evaluated: 2023-05-05. Review status: criteria provided, single submitter. Criteria: GeneDx Variant Classification Process June 2021. Collection method: clinical testing. Allele origin: germline. Affected: yes.
Comment: Not observed at significant frequency in large population cohorts (gnomAD); In silico analysis supports that this missense variant does not alter protein structure/function; Has not been previously published as pathogenic or benign to our knowledge

NM_203446.3(SYNJ1):c.2330A>G (p.Lys777Arg)

Gene: SYNJ1 (synaptojanin 1; minus strand). Cytogenetic location: 21q22.11.
Variant type: single nucleotide variant.
Coding change: c.2330A>G on transcript NM_203446.3 (MANE Select); coding-DNA position 2330, A replaced by G.
Protein change: p.Lys777Arg; replaces lysine 777 with arginine.
Molecular consequence: missense variant.
Genome position (GRCh38, 1-based): chr21:32,657,847, T>C on the plus strand (A>G on the coding strand, the complement: SYNJ1 is on the minus strand). VCF-style: chr21-32657847-T-C. GRCh37 (hg19) VCF-style: chr21-34030157-T-C.
Other names: c.2330A>G, p.Lys777Arg (NM_001160302.2); c.2315A>G, p.Lys772Arg (NM_001160306.2); c.2447A>G, p.Lys816Arg (NM_003895.4); short protein forms K772R, K777R, K816R.
Identifiers: ClinVar variation 2663647 (VCV002663647.1), dbSNP rs1184052182, ClinGen allele CA410075643.